The following is an entry in ClinVar:

NM_021076.4(NEFH):c.2677A>G (p.Lys893Glu)

Gene: NEFH (neurofilament heavy chain; plus strand). Cytogenetic location: 22q12.2.
Variant type: single nucleotide variant.
Coding change: c.2677A>G on transcript NM_021076.4 (MANE Select); coding-DNA position 2677, A replaced by G.
Protein change: p.Lys893Glu; replaces lysine 893 with glutamic acid.
Molecular consequence: missense variant.
Genome position (GRCh38, 1-based): chr22:29,490,317, A>G. VCF-style: chr22-29490317-A-G. GRCh37 (hg19) VCF-style: chr22-29886306-A-G.
Other names: short protein forms K893E.
Identifiers: ClinVar variation 4751301 (VCV004751301.1).

ClinVar aggregate classification (germline): Uncertain significance (1 of 4 stars; one submission).

Submission:

Labcorp Genetics (formerly Invitae), Labcorp
Classification: Uncertain significance. Last evaluated: 2025-10-06. Review status: criteria provided, single submitter. Criteria: Invitae Variant Classification Sherloc (09022015). Collection method: clinical testing. Allele origin: germline.
Comment: This sequence change replaces lysine, which is basic and polar, with glutamic acid, which is acidic and polar, at codon 893 of the NEFH protein (p.Lys893Glu). This variant is not present in population databases (gnomAD no frequency). This variant has not been reported in the literature in individuals affected with NEFH-related conditions. Invitae Evidence Modeling of protein sequence and biophysical properties (such as structural, functional, and spatial information, amino acid conservation, physicochemical variation, residue mobility, and thermodynamic stability) indicates that this missense variant is not expected to disrupt NEFH protein function with a negative predictive value of 95%. In summary, the available evidence is currently insufficient to determine the role of this variant in disease. Therefore, it has been classified as a Variant of Uncertain Significance.